The following is an entry in ClinVar:

NM_194454.3(KRIT1):c.1731-3C>G

Gene: KRIT1 (KRIT1 ankyrin repeat containing; minus strand). Cytogenetic location: 7q21.2.
Variant type: single nucleotide variant.
Coding change: c.1731-3C>G on transcript NM_194454.3 (MANE Select); 3 bases into the intron before coding-DNA position 1731, C replaced by G.
Molecular consequence: intron variant.
Genome position (GRCh38, 1-based): chr7:92,213,982, G>C on the plus strand (C>G on the coding strand, the complement: KRIT1 is on the minus strand). VCF-style: chr7-92213982-G-C. GRCh37 (hg19) VCF-style: chr7-91843296-G-C.
Other names: c.1731-3C>G (NM_001350672.1, NM_001350676.1, NM_001350673.1 and 26 more transcripts); c.1587-3C>G (NM_001350669.1, NM_001013406.2, NM_001350670.1); c.1017-3C>G (NM_001350671.1).
Identifiers: ClinVar variation 2841853 (VCV002841853.3), dbSNP rs1563243075, ClinGen allele CA2739266542.

ClinVar aggregate classification (germline): Uncertain significance (1 of 4 stars; one submission).

Conditions:
Cerebral cavernous malformation (CCM). Also called: Cerebral cavernous hemangioma (type); Cerebral cavernous malformations; Cavernous Hemangioma of Brain; CAVERNOUS ANGIOMA, FAMILIAL; CAVERNOUS ANGIOMATOUS MALFORMATIONS; CEREBRAL CAPILLARY MALFORMATIONS. Identifiers: Orphanet 221061, MedGen C2919945, MONDO:0000820, OMIM 116860, HP:0033522.

Submission:

Labcorp Genetics (formerly Invitae), Labcorp
Classification: Uncertain significance for Cerebral cavernous malformation. Last evaluated: 2023-03-01. Review status: criteria provided, single submitter. Criteria: Invitae Variant Classification Sherloc (09022015). Collection method: clinical testing. Allele origin: germline.
Comment: This sequence change falls in intron 16 of the KRIT1 gene. It does not directly change the encoded amino acid sequence of the KRIT1 protein. It affects a nucleotide within the consensus splice site. This variant is not present in population databases (gnomAD no frequency). This variant has not been reported in the literature in individuals affected with KRIT1-related conditions. Variants that disrupt the consensus splice site are a relatively common cause of aberrant splicing (PMID: 17576681, 9536098). Algorithms developed to predict the effect of sequence changes on RNA splicing suggest that this variant may disrupt the consensus splice site. In summary, the available evidence is currently insufficient to determine the role of this variant in disease. Therefore, it has been classified as a Variant of Uncertain Significance.

Literature cited by the submitters: PubMed 17576681; PubMed 9536098.